The following is an entry in ClinVar:

ClinVar aggregate classification (germline): Uncertain significance (1 of 4 stars; one submission).

gnomAD v4.1: 2 of 1,613,870 alleles (0.00012%); highest among the groups gnomAD compares: Non-Finnish European, 0.00017%; no homozygotes.

Submission:

Labcorp Genetics (formerly Invitae), Labcorp
Classification: Uncertain significance. Last evaluated: 2021-10-12. Review status: criteria provided, single submitter. Criteria: Invitae Variant Classification Sherloc (09022015). Collection method: clinical testing. Allele origin: germline.
Comment: This variant is not present in population databases (ExAC no frequency). This sequence change replaces isoleucine with phenylalanine at codon 53 of the SLC26A3 protein (p.Ile53Phe). The isoleucine residue is moderately conserved and there is a small physicochemical difference between isoleucine and phenylalanine. This variant has not been reported in the literature in individuals affected with SLC26A3-related conditions. In summary, the available evidence is currently insufficient to determine the role of this variant in disease. Therefore, it has been classified as a Variant of Uncertain Significance. Advanced modeling of protein sequence and biophysical properties (such as structural, functional, and spatial information, amino acid conservation, physicochemical variation, residue mobility, and thermodynamic stability) performed at Invitae indicates that this missense variant is not expected to disrupt SLC26A3 protein function.

NM_000111.3(SLC26A3):c.157A>T (p.Ile53Phe)

Gene: SLC26A3 (solute carrier family 26 member 3; minus strand). Cytogenetic location: 7q22.3.
Variant type: single nucleotide variant.
Coding change: c.157A>T on transcript NM_000111.3 (MANE Select); coding-DNA position 157, A replaced by T.
Protein change: p.Ile53Phe; replaces isoleucine 53 with phenylalanine.
Molecular consequence: missense variant.
Genome position (GRCh38, 1-based): chr7:107,793,856, T>A on the plus strand (A>T on the coding strand, the complement: SLC26A3 is on the minus strand). VCF-style: chr7-107793856-T-A. GRCh37 (hg19) VCF-style: chr7-107434301-T-A.
Other names: short protein forms I53F.
Identifiers: ClinVar variation 1481263 (VCV001481263.6), dbSNP rs758202770, ClinGen allele CA368854294.